The following is an entry in ClinVar:

NM_000937.5(POLR2A):c.209G>A (p.Arg70His)

Gene: POLR2A (RNA polymerase II subunit A; plus strand). Cytogenetic location: 17p13.1.
Variant type: single nucleotide variant.
Coding change: c.209G>A on transcript NM_000937.5 (MANE Select); coding-DNA position 209, G replaced by A.
Protein change: p.Arg70His; replaces arginine 70 with histidine.
Molecular consequence: missense variant.
Genome position (GRCh38, 1-based): chr17:7,496,056, G>A. VCF-style: chr17-7496056-G-A. GRCh37 (hg19) VCF-style: chr17-7399375-G-A.
Other names: short protein forms R70H.
Identifiers: ClinVar variation 3391291 (VCV003391291.1).

ClinVar aggregate classification (germline): Uncertain significance (1 of 4 stars; one submission).

Conditions:
Neurodevelopmental disorder with hypotonia and variable intellectual and behavioral abnormalities. Identifiers: MedGen C5231423, MONDO:0032829, OMIM 618603.

Submission:

Neuberg Centre For Genomic Medicine, NCGM
Classification: Uncertain significance for Neurodevelopmental disorder with hypotonia and variable intellectual and behavioral abnormalities. Last evaluated: 2023-07-22. Review status: criteria provided, single submitter. Criteria: ACMG Guidelines, 2015. Collection method: clinical testing. Allele origin: germline. Inheritance: Autosomal dominant inheritance. Affected: yes.
Comment: The observed missense c.209G>Ap.Arg70His variant in POLR2A gene has not been reported previously as a pathogenic variant nor a benign variant, to our knowledge. The p.Arg70His variant is present with allele frequency of 0.002% in gnomAD Exomes. This variant has not been submitted to the ClinVar database. Multiple lines of computational evidences SIFT - Damaging and MutationTaster - Disease causing predict a damaging effect on protein structure and function for this variant. The reference amino acid change at this position on POLR2A gene is predicted as conserved by GERP++ and PhyloP across 100 vertebrates. The amino acid Arg at position 70 is changed to a His changing protein sequence and it might alter its composition and physico-chemical properties. For these reasons, this variant has been classified as a Variant of Uncertain Significance VUS.